The following is an entry in ClinVar:

ClinVar aggregate classification (germline): Uncertain significance (1 of 4 stars; one submission).

Conditions:
Cardiovascular phenotype. Identifiers: MedGen CN230736.

Allele frequency attached by ClinVar (database versions not stated): gnomAD exomes below 0.00001; ExAC 0.00001.
gnomAD v4.1: 2 of 1,613,852 alleles (0.00012%); no homozygotes.

Submission:

Ambry Genetics
Classification: Uncertain significance for Cardiovascular phenotype. Last evaluated: 2022-01-19. Review status: criteria provided, single submitter. Criteria: Ambry Variant Classification Scheme 2023. Collection method: clinical testing. Allele origin: germline.
Comment: The p.T941A variant (also known as c.2821A>G), located in coding exon 21 of the LAMA4 gene, results from an A to G substitution at nucleotide position 2821. The threonine at codon 941 is replaced by alanine, an amino acid with similar properties. This amino acid position is conserved. In addition, the in silico prediction for this alteration is inconclusive. Since supporting evidence is limited at this time, the clinical significance of this alteration remains unclear.

NM_001105206.3(LAMA4):c.2842A>G (p.Thr948Ala)

Genes: LAMA4 (laminin subunit alpha 4; minus strand), LOC126859766 (MED14-independent group 3 enhancer GRCh37_chr6:112462018-112463217; plus strand). Cytogenetic location: 6q21.
Variant type: single nucleotide variant.
Coding change: c.2842A>G on transcript NM_001105206.3 (MANE Select); coding-DNA position 2842, A replaced by G.
Protein change: p.Thr948Ala; replaces threonine 948 with alanine.
Molecular consequence: missense variant.
Genome position (GRCh38, 1-based): chr6:112,140,894, T>C on the plus strand (A>G on the coding strand, the complement: LAMA4 is on the minus strand). VCF-style: chr6-112140894-T-C. GRCh37 (hg19) VCF-style: chr6-112462096-T-C.
Other names: c.2821A>G, p.Thr941Ala (NM_001105207.3, NM_002290.5); short protein forms T948A, T941A.
Identifiers: ClinVar variation 1796451 (VCV001796451.2), dbSNP rs782030944, ClinGen allele CA3965370.